The following is an entry in ClinVar:

ClinVar aggregate classification (germline): Likely benign. Review status: criteria provided, multiple submitters, no conflicts (2 of 4 stars). 2 submissions from 2 submitters: Likely benign (2). Last evaluated 2025-08-01.

Conditions:
Hereditary cancer-predisposing syndrome. Also called: Hereditary neoplastic syndrome; Tumor predisposition; Neoplastic Syndromes, Hereditary; Hereditary Cancer Syndrome. Identifiers: Orphanet 140162, MedGen C0027672, MeSH D009386, MONDO:0015356.

Submissions (2):

CeGaT Center for Human Genetics Tuebingen
Classification: Likely benign. Last evaluated: 2025-08-01. Review status: criteria provided, single submitter. Criteria: CeGaT Center For Human Genetics Tuebingen Variant Classification Criteria Version 2. Collection method: clinical testing. Allele origin: germline. Affected: yes. Observed: 1 variant allele.
Comment: MSH6: PM2:Supporting, BP4, BP7

Ambry Genetics
Classification: Likely benign for Hereditary cancer-predisposing syndrome. Last evaluated: 2021-08-18. Review status: criteria provided, single submitter. Criteria: Ambry Variant Classification Scheme 2023. Collection method: clinical testing. Allele origin: germline.

NM_000179.3(MSH6):c.3540A>T (p.Ser1180=)

Gene: MSH6 (mutS homolog 6; plus strand). Cytogenetic location: 2p16.3.
Variant type: single nucleotide variant.
Coding change: c.3540A>T on transcript NM_000179.3 (MANE Select); coding-DNA position 3540, A replaced by T.
Protein change: p.Ser1180=; no amino-acid change (serine 1180 retained).
Molecular consequence: synonymous variant. On other transcripts: non-coding transcript variant (4).
Genome position (GRCh38, 1-based): chr2:47,805,011, A>T. VCF-style: chr2-47805011-A-T. GRCh37 (hg19) VCF-style: chr2-48032150-A-T.
Other names: c.3150A>T, p.Ser1050= (NM_001281492.2); c.2634A>T, p.Ser878= (NM_001281493.2, NM_001281494.2, NM_001406811.1 and 6 more transcripts); c.3636A>T, p.Ser1212= (NM_001406795.1, NM_001406802.1); c.3540A>T, p.Ser1180= (NM_001406796.1, NM_001406800.1, NM_001406808.1 and 1 more transcripts); c.3243A>T, p.Ser1081= (NM_001406797.1, NM_001406801.1, NM_001406805.1 and 10 more transcripts); c.3366A>T, p.Ser1122= (NM_001406798.1); c.3015A>T, p.Ser1005= (NM_001406799.1, NM_001406806.1, NM_001406807.1); c.2676A>T, p.Ser892= (NM_001406803.1); and 7 more.
Identifiers: ClinVar variation 1732464 (VCV001732464.10), dbSNP rs777096746, ClinGen allele CA425997245.